The following is an entry in ClinVar:

ClinVar aggregate classification (germline): Uncertain significance (1 of 4 stars; one submission).

Conditions:
Intellectual disability, CASK-related, X-linked. Identifiers: MedGen CN043158.

gnomAD v4.1: 1 of 1,206,461 alleles (0.000083%); highest among the groups gnomAD compares: Non-Finnish European, 0.00011%; no homozygotes.

Submission:

Labcorp Genetics (formerly Invitae), Labcorp
Classification: Uncertain significance for Intellectual disability, CASK-related, X-linked. Last evaluated: 2024-12-24. Review status: criteria provided, single submitter. Criteria: Invitae Variant Classification Sherloc (09022015). Collection method: clinical testing. Allele origin: germline.
Comment: This sequence change replaces valine, which is neutral and non-polar, with isoleucine, which is neutral and non-polar, at codon 45 of the CASK protein (p.Val45Ile). This variant is not present in population databases (gnomAD no frequency). This variant has not been reported in the literature in individuals affected with CASK-related conditions. Invitae Evidence Modeling of protein sequence and biophysical properties (such as structural, functional, and spatial information, amino acid conservation, physicochemical variation, residue mobility, and thermodynamic stability) indicates that this missense variant is not expected to disrupt CASK protein function with a negative predictive value of 80%. In summary, the available evidence is currently insufficient to determine the role of this variant in disease. Therefore, it has been classified as a Variant of Uncertain Significance.

NM_001367721.1(CASK):c.133G>A (p.Val45Ile)

Gene: CASK (calcium/calmodulin dependent serine protein kinase; minus strand). Cytogenetic location: Xp11.4.
Variant type: single nucleotide variant.
Coding change: c.133G>A on transcript NM_001367721.1 (MANE Select); coding-DNA position 133, G replaced by A.
Protein change: p.Val45Ile; replaces valine 45 with isoleucine.
Molecular consequence: missense variant.
Genome position (GRCh38, 1-based): chrX:41,853,154, C>T on the plus strand (G>A on the coding strand, the complement: CASK is on the minus strand). VCF-style: chrX-41853154-C-T. GRCh37 (hg19) VCF-style: chrX-41712407-C-T.
Other names: c.133G>A, p.Val45Ile (NM_001126054.3, NM_001126055.3, NM_001410745.1 and 1 more transcripts); short protein forms V45I.
Identifiers: ClinVar variation 3715481 (VCV003715481.2).